The following is an entry in ClinVar:

NM_000081.4(LYST):c.9245dup (p.Leu3082fs)

Gene: LYST (lysosomal trafficking regulator; minus strand). Cytogenetic location: 1q42.3.
Variant type: Duplication.
Coding change: c.9245dup on transcript NM_000081.4 (MANE Select); coding-DNA position 9245, one base duplicated (T; older notation c.9245dupT).
Protein change: p.Leu3082fs; shifts the reading frame from leucine 3082.
Molecular consequence: frameshift variant.
Genome position (GRCh38, 1-based): chr1:235,724,098, A duplicated on the plus strand (T on the coding strand, the reverse complement: LYST is on the minus strand); the first of 2 consecutive A bases (chr1:235,724,098-235,724,099); duplicating either gives the same sequence. VCF-style (leftmost placement, unchanged base first): chr1-235724097-C-CA. GRCh37 (hg19) VCF-style: chr1-235887397-C-CA.
Other names: c.9245dup, p.Leu3082fs (NM_001301365.1); short protein forms L3082fs.
Identifiers: ClinVar variation 2676362 (VCV002676362.5), dbSNP rs1663631401, ClinGen allele CA2486618833.

ClinVar aggregate classification (germline): Pathogenic/Likely pathogenic. Review status: criteria provided, multiple submitters, no conflicts (2 of 4 stars). 2 submissions from 2 submitters: Pathogenic (1); Likely pathogenic (1). Last evaluated 2023-11-08.

Conditions:
Chédiak-Higashi syndrome (CHS). Also called: Chediak-Higashi Syndrome. Identifiers: Orphanet 167, MedGen C0007965, MONDO:0008963, OMIM 214500.

Submissions (2):

Baylor Genetics
Classification: Likely pathogenic for Chédiak-Higashi syndrome. Last evaluated: 2023-11-08. Review status: criteria provided, single submitter. Criteria: ACMG Guidelines, 2015. Collection method: clinical testing. Allele origin: unknown.

Labcorp Genetics (formerly Invitae), Labcorp
Classification: Pathogenic for Chédiak-Higashi syndrome. Last evaluated: 2023-06-09. Review status: criteria provided, single submitter. Criteria: Invitae Variant Classification Sherloc (09022015). Collection method: clinical testing. Allele origin: germline.
Comment: For these reasons, this variant has been classified as Pathogenic. This variant has not been reported in the literature in individuals affected with LYST-related conditions. This variant is not present in population databases (gnomAD no frequency). This sequence change creates a premature translational stop signal (p.Leu3082Phefs*4) in the LYST gene. It is expected to result in an absent or disrupted protein product. Loss-of-function variants in LYST are known to be pathogenic (PMID: 9215679, 11857544).

Literature cited by the submitters: PubMed 9215679 (cited by Labcorp Genetics (formerly Invitae), Labcorp); PubMed 11857544 (cited by Labcorp Genetics (formerly Invitae), Labcorp).